The following is an entry in ClinVar:

ClinVar aggregate classification (germline): Uncertain significance (1 of 4 stars; one submission).

Conditions:
Spermatogenic failure 23. Identifiers: MedGen C4540185, MONDO:0054727, OMIM 617707.

gnomAD v4.1: 2 of 1,611,322 alleles (0.00012%); highest among the groups gnomAD compares: African/African-American, 0.0013%; no homozygotes.

Submission:

Juno Genomics, Hangzhou Juno Genomics, Inc
Classification: Uncertain significance for Spermatogenic failure 23. Review status: criteria provided, single submitter. Criteria: ACMG Guidelines, 2015. Collection method: clinical testing. Allele origin: germline. Affected: yes.
Comment: Absent from controls (or at extremely low frequency if recessive) in Genome Aggregation Database, Exome Sequencing Project, 1000 Genomes Project, or Exome Aggregation Consortium.;Multiple lines of computational evidence support a deleterious effect on the gene or gene product (conservation, evolutionary, splicing impact, etc).;For recessive disorders, detected in trans with a pathogenic variant.;Patient's phenotype or family history is highly specific for a disease with a single genetic etiology.

NM_031272.5(TEX14):c.2576+2T>G

Gene: TEX14 (testis expressed 14, intercellular bridge forming factor; minus strand). Cytogenetic location: 17q22.
Variant type: single nucleotide variant.
Coding change: c.2576+2T>G on transcript NM_031272.5 (MANE Select); the canonical splice donor site of the intron after coding-DNA position 2576, T replaced by G.
Molecular consequence: splice donor variant.
Genome position (GRCh38, 1-based): chr17:58,593,553, A>C on the plus strand (T>G on the coding strand, the complement: TEX14 is on the minus strand). VCF-style: chr17-58593553-A-C. GRCh37 (hg19) VCF-style: chr17-56670914-A-C.
Other names: c.2576+2T>G (NM_198393.4); c.2594+2T>G (NM_001201457.2).
Identifiers: ClinVar variation 3381924 (VCV003381924.2).